The following is an entry in ClinVar:

NM_206933.4(USH2A):c.4436A>T (p.Asn1479Ile)

Gene: USH2A (usherin; minus strand). Cytogenetic location: 1q41.
Variant type: single nucleotide variant.
Coding change: c.4436A>T on transcript NM_206933.4 (MANE Select); coding-DNA position 4436, A replaced by T.
Protein change: p.Asn1479Ile; replaces asparagine 1479 with isoleucine.
Molecular consequence: missense variant.
Genome position (GRCh38, 1-based): chr1:216,175,443, T>A on the plus strand (A>T on the coding strand, the complement: USH2A is on the minus strand). VCF-style: chr1-216175443-T-A. GRCh37 (hg19) VCF-style: chr1-216348785-T-A.
Other names: c.4436A>T, p.Asn1479Ile (NM_007123.6); short protein forms N1479I.
Identifiers: ClinVar variation 666950 (VCV000666950.10), dbSNP rs961580455, ClinGen allele CA37492834.

ClinVar aggregate classification (germline): Uncertain significance. Review status: criteria provided, multiple submitters, no conflicts (2 of 4 stars). 7 submissions from 6 submitters: Uncertain significance (6). 1 of the submissions does not count toward it. Last evaluated 2024-05-31.

Conditions:
Retinitis pigmentosa 39 (RP39). Identifiers: Orphanet 791, MedGen C3151138, MONDO:0013436, OMIM 613809.
Usher syndrome type 2A. Also called: USHER SYNDROME, TYPE IIA; RETINAL DISEASE IN USHER SYNDROME TYPE IIA, MODIFIER OF. Identifiers: Orphanet 231178, Orphanet 886, MedGen C1848634, MONDO:0010169, OMIM 276901.
Inborn genetic diseases. Identifiers: MedGen C0950123, MeSH D030342.

Allele frequency attached by ClinVar (database versions not stated): gnomAD 0.00001; TOPMed 0.00001; gnomAD exomes 0.00002 and 0.00003.
gnomAD v4.1: 42 of 1,613,716 alleles (0.0026%); highest among the groups gnomAD compares: Non-Finnish European, 0.0031%; no homozygotes.

Submissions (7):

Blueprint Genetics
Classification: Uncertain significance. Last evaluated: 2024-05-31. Review status: criteria provided, single submitter. Criteria: ACMG Guidelines, 2015. Collection method: clinical testing. Allele origin: germline.

Ambry Genetics
Classification: Uncertain significance for Inborn genetic diseases. Last evaluated: 2024-04-06. Review status: criteria provided, single submitter. Criteria: Ambry Variant Classification Scheme 2023. Collection method: clinical testing. Allele origin: germline.

Genome-Nilou Lab
Classification: Uncertain significance for Retinitis pigmentosa 39. Last evaluated: 2023-11-04. Review status: criteria provided, single submitter. Criteria: ACMG Guidelines, 2015. Collection method: clinical testing. Allele origin: germline. Affected: no.

Genome-Nilou Lab
Classification: Uncertain significance for Usher syndrome type 2A. Last evaluated: 2023-11-04. Review status: criteria provided, single submitter. Criteria: ACMG Guidelines, 2015. Collection method: clinical testing. Allele origin: germline. Affected: no.

Baylor Genetics
Classification: Uncertain significance for Usher syndrome type 2A. Last evaluated: 2020-07-07. Review status: criteria provided, single submitter. Criteria: ACMG Guidelines, 2015. Collection method: clinical testing. Allele origin: unknown. Affected: yes.
Comment: This variant was determined to be of uncertain significance according to ACMG Guidelines, 2015 [PMID:25741868].

Laboratory for Molecular Medicine, Mass General Brigham Personalized Medicine
Classification: Uncertain significance. Last evaluated: 2018-07-17. Review status: criteria provided, single submitter. Criteria: LMM Criteria. Collection method: clinical testing. Allele origin: germline. Observed: 1 variant allele.
Comment: The p.Asn1479Ile variant in USH2A has not been previously reported in individual s with hearing loss and Usher syndrome but has been identified in 4/111168 Europ ean chromosomes by the Genome Aggregation Database (gnomAD). Although this variant has been seen in the general population, it s frequency is not high enough to rule out a pathogenic role. Computational pred iction tools and conservation analysis suggest that the p.Asn1479Ile variant may impact the protein, though this information is not predictive enough to determi ne pathogenicity. In summary, the clinical significance of the p.Asn1479Ile vari ant is uncertain. ACMG/AMP Criteria applied: PP3, PM2_Supporting.

Natera, Inc.
Classification: Uncertain significance for Usher syndrome type 2A. Last evaluated: 2020-07-22. Review status: no assertion criteria provided. Collection method: clinical testing. Allele origin: germline. Not counted in ClinVar's aggregate classification.